The following is an entry in ClinVar:

NM_006270.5(RRAS):c.453+5G>A

Gene: RRAS (RAS related; minus strand). Cytogenetic location: 19q13.33.
Variant type: single nucleotide variant.
Coding change: c.453+5G>A on transcript NM_006270.5 (MANE Select); 5 bases into the intron after coding-DNA position 453, G replaced by A.
Molecular consequence: intron variant.
Genome position (GRCh38, 1-based): chr19:49,636,614, C>T on the plus strand (G>A on the coding strand, the complement: RRAS is on the minus strand). VCF-style: chr19-49636614-C-T. GRCh37 (hg19) VCF-style: chr19-50139871-C-T.
Other names: c.453+5G>A (NM_006270.4).
Identifiers: ClinVar variation 1512263 (VCV001512263.8), dbSNP rs766707816, ClinGen allele CA9579019.

ClinVar aggregate classification (germline): Uncertain significance. Review status: criteria provided, single submitter (1 of 4 stars). 2 submissions from 2 submitters: Uncertain significance (1). 1 of the submissions does not count toward it. Last evaluated 2024-11-18.

Conditions:
Noonan syndrome (NS). Also called: Noonan's syndrome. Identifiers: Orphanet 648, MedGen C0028326, MeSH D009634, MONDO:0018997. Disease mechanism: gain of function.
RRAS-related disorder. Also called: RRAS-related condition.

Allele frequency attached by ClinVar (database versions not stated): TOPMed 0.00002; gnomAD 0.00003 and 0.00004; gnomAD exomes 0.00006; ExAC 0.00007.
gnomAD v4.1: 35 of 1,611,232 alleles (0.0022%); highest among the groups gnomAD compares: East Asian, 0.053%; no homozygotes.

Submissions (2):

Labcorp Genetics (formerly Invitae), Labcorp
Classification: Uncertain significance for Noonan syndrome. Last evaluated: 2024-11-18. Review status: criteria provided, single submitter. Criteria: Invitae Variant Classification Sherloc (09022015). Collection method: clinical testing. Allele origin: germline.
Comment: This sequence change falls in intron 4 of the RRAS gene. It does not directly change the encoded amino acid sequence of the RRAS protein. It affects a nucleotide within the consensus splice site. This variant is present in population databases (rs766707816, gnomAD 0.1%), and has an allele count higher than expected for a pathogenic variant. This variant has not been reported in the literature in individuals affected with RRAS-related conditions. ClinVar contains an entry for this variant (Variation ID: 1512263). Variants that disrupt the consensus splice site are a relatively common cause of aberrant splicing (PMID: 17576681, 9536098). Algorithms developed to predict the effect of sequence changes on RNA splicing suggest that this variant may disrupt the consensus splice site. In summary, the available evidence is currently insufficient to determine the role of this variant in disease. Therefore, it has been classified as a Variant of Uncertain Significance.

PreventionGenetics, part of Exact Sciences
Classification: Likely benign for RRAS-related condition. Last evaluated: 2024-01-08. Review status: no assertion criteria provided. Collection method: clinical testing. Allele origin: germline. Not counted in ClinVar's aggregate classification.
Comment: This variant is classified as likely benign based on ACMG/AMP sequence variant interpretation guidelines (Richards et al. 2015 PMID: 25741868, with internal and published modifications).

Literature cited by the submitters: PubMed 17576681 (cited by Labcorp Genetics (formerly Invitae), Labcorp); PubMed 9536098 (cited by Labcorp Genetics (formerly Invitae), Labcorp).